The following is an entry in ClinVar:

ClinVar aggregate classification (germline): Uncertain significance (1 of 4 stars; one submission).

Conditions:
Werner syndrome (WRN). Identifiers: Orphanet 902, MedGen C0043119, MONDO:0010196, OMIM 277700.

Allele frequency attached by ClinVar (database versions not stated): TOPMed below 0.00001.

Submission:

Labcorp Genetics (formerly Invitae), Labcorp
Classification: Uncertain significance for Werner syndrome. Last evaluated: 2019-07-31. Review status: criteria provided, single submitter. Criteria: Invitae Variant Classification Sherloc (09022015). Collection method: clinical testing. Allele origin: germline.
Comment: This sequence change replaces valine with isoleucine at codon 1195 of the WRN protein (p.Val1195Ile). The valine residue is moderately conserved and there is a small physicochemical difference between valine and isoleucine. This variant is not present in population databases (ExAC no frequency). This variant has not been reported in the literature in individuals with WRN-related conditions. Algorithms developed to predict the effect of missense changes on protein structure and function output the following: SIFT: Tolerated; PolyPhen-2: Benign; Align-GVGD: Class C0. The isoleucine amino acid residue is found in multiple mammalian species, suggesting that this missense change does not adversely affect protein function. These predictions have not been confirmed by published functional studies and their clinical significance is uncertain. In summary, the available evidence is currently insufficient to determine the role of this variant in disease. Therefore, it has been classified as a Variant of Uncertain Significance.

NM_000553.6(WRN):c.3583G>A (p.Val1195Ile)

Gene: WRN (WRN RecQ like helicase; plus strand). Cytogenetic location: 8p12.
Variant type: single nucleotide variant.
Coding change: c.3583G>A on transcript NM_000553.6 (MANE Select); coding-DNA position 3583, G replaced by A.
Protein change: p.Val1195Ile; replaces valine 1195 with isoleucine.
Molecular consequence: missense variant.
Genome position (GRCh38, 1-based): chr8:31,150,351, G>A. VCF-style: chr8-31150351-G-A. GRCh37 (hg19) VCF-style: chr8-31007867-G-A.
Other names: short protein forms V1195I.
Identifiers: ClinVar variation 962528 (VCV000962528.2), dbSNP rs1294563093, ClinGen allele CA370927329.